The following is an entry in ClinVar:

ClinVar aggregate classification (germline): Uncertain significance (1 of 4 stars; one submission).

Conditions:
Hereditary cancer-predisposing syndrome. Also called: Neoplastic Syndromes, Hereditary; Tumor predisposition; Hereditary Cancer Syndrome; Hereditary neoplastic syndrome. Identifiers: Orphanet 140162, MedGen C0027672, MeSH D009386, MONDO:0015356.

Submission:

Ambry Genetics
Classification: Uncertain significance for Hereditary cancer-predisposing syndrome. Last evaluated: 2024-10-01. Review status: criteria provided, single submitter. Criteria: Ambry Variant Classification Scheme 2023. Collection method: clinical testing. Allele origin: germline.
Comment: The p.G542R variant (also known as c.1624G>C), located in coding exon 15 of the POLE gene, results from a G to C substitution at nucleotide position 1624. The glycine at codon 542 is replaced by arginine, an amino acid with dissimilar properties. This amino acid position is conserved. In addition, this alteration is predicted to be deleterious by in silico analysis. Based on the available evidence, the clinical significance of this variant remains unclear.

NM_006231.4(POLE):c.1624G>C (p.Gly542Arg)

Gene: POLE (DNA polymerase epsilon, catalytic subunit; minus strand). Cytogenetic location: 12q24.33.
Variant type: single nucleotide variant.
Coding change: c.1624G>C on transcript NM_006231.4 (MANE Select); coding-DNA position 1624, G replaced by C.
Protein change: p.Gly542Arg; replaces glycine 542 with arginine.
Molecular consequence: missense variant.
Genome position (GRCh38, 1-based): chr12:132,672,689, C>G on the plus strand (G>C on the coding strand, the complement: POLE is on the minus strand). VCF-style: chr12-132672689-C-G. GRCh37 (hg19) VCF-style: chr12-133249275-C-G.
Other names: short protein forms G542R.
Identifiers: ClinVar variation 3422184 (VCV003422184.1).